The following is an entry in ClinVar:

ClinVar aggregate classification (germline): Uncertain significance (1 of 4 stars; one submission).

Conditions:
Glycogen storage disease, type V (GSD5). Also called: McArdle type glycogen storage disease; MCARDLE DISEASE; MUSCLE GLYCOGEN PHOSPHORYLASE DEFICIENCY; MYOPHOSPHORYLASE DEFICIENCY; PYGM DEFICIENCY. Identifiers: Orphanet 368, MedGen C0017924, MONDO:0009293, OMIM 232600.

Submission:

Labcorp Genetics (formerly Invitae), Labcorp
Classification: Uncertain significance for Glycogen storage disease, type V. Last evaluated: 2022-03-11. Review status: criteria provided, single submitter. Criteria: Invitae Variant Classification Sherloc (09022015). Collection method: clinical testing. Allele origin: germline.
Comment: This sequence change replaces proline, which is neutral and non-polar, with threonine, which is neutral and polar, at codon 659 of the PYGM protein (p.Pro659Thr). This variant is not present in population databases (gnomAD no frequency). This missense change has been observed in individual(s) with McArdle disease (PMID: 32735634). Algorithms developed to predict the effect of missense changes on protein structure and function are either unavailable or do not agree on the potential impact of this missense change (SIFT: "Not Available"; PolyPhen-2: "Probably Damaging"; Align-GVGD: "Not Available"). In summary, the available evidence is currently insufficient to determine the role of this variant in disease. Therefore, it has been classified as a Variant of Uncertain Significance.

Literature cited by the submitters: PubMed 32735634.

NM_005609.4(PYGM):c.1975C>A (p.Pro659Thr)

Gene: PYGM (glycogen phosphorylase, muscle associated; minus strand). Cytogenetic location: 11q13.1.
Variant type: single nucleotide variant.
Coding change: c.1975C>A on transcript NM_005609.4 (MANE Select); coding-DNA position 1975, C replaced by A.
Protein change: p.Pro659Thr; replaces proline 659 with threonine.
Molecular consequence: missense variant.
Genome position (GRCh38, 1-based): chr11:64,750,578, G>T on the plus strand (C>A on the coding strand, the complement: PYGM is on the minus strand). VCF-style: chr11-64750578-G-T. GRCh37 (hg19) VCF-style: chr11-64518050-G-T.
Other names: c.1711C>A, p.Pro571Thr (NM_001164716.1); short protein forms P571T, P659T.
Identifiers: ClinVar variation 1917910 (VCV001917910.2), dbSNP rs2496648766, ClinGen allele CA381168335.